The following is an entry in ClinVar:

NM_020778.5(ALPK3):c.1127G>A (p.Arg376Gln)

Gene: ALPK3 (alpha kinase 3; plus strand). Cytogenetic location: 15q25.3.
Variant type: single nucleotide variant.
Coding change: c.1127G>A on transcript NM_020778.5 (MANE Select); coding-DNA position 1127, G replaced by A.
Protein change: p.Arg376Gln; replaces arginine 376 with glutamine.
Molecular consequence: missense variant.
Genome position (GRCh38, 1-based): chr15:84,840,406, G>A. VCF-style: chr15-84840406-G-A. GRCh37 (hg19) VCF-style: chr15-85383637-G-A.
Other names: short protein forms R376Q.
Identifiers: ClinVar variation 1306601 (VCV001306601.7), dbSNP rs755210023, ClinGen allele CA7709125.

ClinVar aggregate classification (germline): Uncertain significance. Review status: criteria provided, multiple submitters, no conflicts (2 of 4 stars). 3 submissions from 3 submitters: Uncertain significance (3). Last evaluated 2026-02-01.

Conditions:
Cardiovascular phenotype. Identifiers: MedGen CN230736.

Allele frequency attached by ClinVar (database versions not stated): gnomAD exomes below 0.00001; ExAC 0.00001.
gnomAD v4.1: 7 of 1,613,860 alleles (0.00043%); highest among the groups gnomAD compares: African/African-American, 0.004%; no homozygotes.

Submissions (3):

Labcorp Genetics (formerly Invitae), Labcorp
Classification: Uncertain significance. Last evaluated: 2026-02-01. Review status: criteria provided, single submitter. Criteria: Invitae Variant Classification Sherloc (09022015). Collection method: clinical testing. Allele origin: germline.
Comment: This sequence change replaces arginine, which is basic and polar, with glutamine, which is neutral and polar, at codon 578 of the ALPK3 protein (p.Arg578Gln). The frequency data for this variant in the population databases is considered unreliable, as metrics indicate poor data quality at this position in the gnomAD database. This variant has not been reported in the literature in individuals affected with ALPK3-related conditions. ClinVar contains an entry for this variant (Variation ID: 1306601). An algorithm developed to predict the effect of missense changes on protein structure and function outputs the following: PolyPhen-2: "Benign". The glutamine amino acid residue is found in multiple mammalian species, which suggests that this missense change does not adversely affect protein function. In summary, the available evidence is currently insufficient to determine the role of this variant in disease. Therefore, it has been classified as a Variant of Uncertain Significance.

Ambry Genetics
Classification: Uncertain significance for Cardiovascular phenotype. Last evaluated: 2024-12-09. Review status: criteria provided, single submitter. Criteria: Ambry Variant Classification Scheme 2023. Collection method: clinical testing. Allele origin: germline.

GeneDx
Classification: Uncertain significance. Last evaluated: 2019-06-21. Review status: criteria provided, single submitter. Criteria: GeneDx Variant Classification Process June 2021. Collection method: clinical testing. Allele origin: germline. Affected: yes.